The following is an entry in ClinVar:

NM_002769.5(PRSS1):c.265A>G (p.Asn89Asp)

Genes: PRSS1 (serine protease 1; plus strand), TRB (T cell receptor beta locus; plus strand). Cytogenetic location: 7q34.
Variant type: single nucleotide variant.
Coding change: c.265A>G on transcript NM_002769.5 (MANE Select); coding-DNA position 265, A replaced by G.
Protein change: p.Asn89Asp; replaces asparagine 89 with aspartic acid.
Molecular consequence: missense variant. On other transcripts: non-coding transcript variant (4).
Genome position (GRCh38, 1-based): chr7:142,751,838, A>G. VCF-style: chr7-142751838-A-G. GRCh37 (hg19) VCF-style: chr7-142459689-A-G.
Other names: short protein forms N89D.
Identifiers: ClinVar variation 1794419 (VCV001794419.3), dbSNP rs755816580, ClinGen allele CA369608583.

ClinVar aggregate classification (germline): Uncertain significance (1 of 4 stars; one submission).

Conditions:
Hereditary pancreatitis (PCTT). Also called: Hereditary chronic pancreatitis; PRSS1-Related Hereditary Pancreatitis. Identifiers: Orphanet 676, MedGen C0238339, MONDO:0008185, OMIM 167800.

Allele frequency attached by ClinVar (database versions not stated): gnomAD exomes below 0.00001.
gnomAD v4.1: 3 of 1,606,176 alleles (0.00019%); highest among the groups gnomAD compares: Non-Finnish European, 0.00025%; no homozygotes.

Submission:

Ambry Genetics
Classification: Uncertain significance for Hereditary pancreatitis. Last evaluated: 2024-06-29. Review status: criteria provided, single submitter. Criteria: Ambry Variant Classification Scheme 2023. Collection method: clinical testing. Allele origin: germline.
Comment: The p.N89D variant (also known as c.265A>G), located in coding exon 3 of the PRSS1 gene, results from an A to G substitution at nucleotide position 265. The asparagine at codon 89 is replaced by aspartic acid, an amino acid with highly similar properties. This amino acid position is not well conserved in available vertebrate species, and aspartic acid is the reference amino acid in other vertebrate species. In addition, this alteration is predicted to be tolerated by in silico analysis. Since supporting evidence is limited at this time, the clinical significance of this alteration remains unclear.